The following is an entry in ClinVar:

NM_152906.7(TANGO2):c.788C>T (p.Ser263Phe)

Gene: TANGO2 (transport and golgi organization 2 homolog; plus strand). Cytogenetic location: 22q11.21.
Variant type: single nucleotide variant.
Coding change: c.788C>T on transcript NM_152906.7 (MANE Select); coding-DNA position 788, C replaced by T.
Protein change: p.Ser263Phe; replaces serine 263 with phenylalanine.
Molecular consequence: missense variant. On other transcripts: 3 prime UTR variant (7), non-coding transcript variant (5).
Genome position (GRCh38, 1-based): chr22:20,064,619, C>T. VCF-style: chr22-20064619-C-T. GRCh37 (hg19) VCF-style: chr22-20052142-C-T.
Other names: c.788C>T, p.Ser263Phe (NM_001283106.3, NM_001283116.3); c.911C>T, p.Ser304Phe (NM_001283129.3, NM_001322143.2); c.*27C>T (NM_001283148.3, NM_001283154.3, NM_001322144.2 and 2 more transcripts); c.602C>T, p.Ser201Phe (NM_001283179.3, NM_001283186.3, NM_001322163.2 and 2 more transcripts); c.563C>T, p.Ser188Phe (NM_001283199.3); c.*55C>T (NM_001283215.3); c.494C>T, p.Ser165Phe (NM_001283235.3, NM_001322171.2, NM_001322172.2 and 3 more transcripts); c.*124C>T (NM_001283248.3); and 6 more; short protein forms S201F, S217F, S229F, S263F, S304F, S188F, S315F, S356F.
Identifiers: ClinVar variation 1481367 (VCV001481367.5), dbSNP rs772464477, ClinGen allele CA10106582.

ClinVar aggregate classification (germline): Uncertain significance (1 of 4 stars; one submission).

Allele frequency attached by ClinVar (database versions not stated): ExAC 0.00001; gnomAD exomes 0.00001.
gnomAD v4.1: 3 of 1,614,218 alleles (0.00019%); highest among the groups gnomAD compares: Admixed American, 0.005%; no homozygotes.

Submission:

Labcorp Genetics (formerly Invitae), Labcorp
Classification: Uncertain significance. Last evaluated: 2022-08-20. Review status: criteria provided, single submitter. Criteria: Invitae Variant Classification Sherloc (09022015). Collection method: clinical testing. Allele origin: germline.
Comment: This sequence change replaces serine, which is neutral and polar, with phenylalanine, which is neutral and non-polar, at codon 263 of the TANGO2 protein (p.Ser263Phe). This variant is not present in population databases (gnomAD no frequency). This variant has not been reported in the literature in individuals affected with TANGO2-related conditions. ClinVar contains an entry for this variant (Variation ID: 1481367). Algorithms developed to predict the effect of missense changes on protein structure and function are either unavailable or do not agree on the potential impact of this missense change (SIFT: "Not Available"; PolyPhen-2: "Benign"; Align-GVGD: "Not Available"). In summary, the available evidence is currently insufficient to determine the role of this variant in disease. Therefore, it has been classified as a Variant of Uncertain Significance.